The following is an entry in ClinVar:

ClinVar aggregate classification (germline): Uncertain significance (1 of 4 stars; one submission).

Submission:

GeneDx
Classification: Uncertain significance. Last evaluated: 2024-12-03. Review status: criteria provided, single submitter. Criteria: GeneDx Variant Classification Process June 2021. Collection method: clinical testing. Allele origin: germline. Affected: yes.
Comment: Not observed at significant frequency in large population cohorts (gnomAD); In silico analysis supports that this missense variant has a deleterious effect on protein structure/function; Has not been previously published as pathogenic or benign to our knowledge

NM_003128.3(SPTBN1):c.1355T>G (p.Phe452Cys)

Gene: SPTBN1 (spectrin beta, non-erythrocytic 1; plus strand). Cytogenetic location: 2p16.2.
Variant type: single nucleotide variant.
Coding change: c.1355T>G on transcript NM_003128.3 (MANE Select); coding-DNA position 1355, T replaced by G.
Protein change: p.Phe452Cys; replaces phenylalanine 452 with cysteine.
Molecular consequence: missense variant.
Genome position (GRCh38, 1-based): chr2:54,625,945, T>G. VCF-style: chr2-54625945-T-G. GRCh37 (hg19) VCF-style: chr2-54853082-T-G.
Other names: c.1316T>G, p.Phe439Cys (NM_178313.3); short protein forms F439C, F452C.
Identifiers: ClinVar variation 3901809 (VCV003901809.1).